The following is an entry in ClinVar:

NM_025137.4(SPG11):c.3584A>G (p.Glu1195Gly)

Gene: SPG11 (SPG11 vesicle trafficking associated, spatacsin; minus strand). Cytogenetic location: 15q21.1.
Variant type: single nucleotide variant.
Coding change: c.3584A>G on transcript NM_025137.4 (MANE Select); coding-DNA position 3584, A replaced by G.
Protein change: p.Glu1195Gly; replaces glutamic acid 1195 with glycine.
Molecular consequence: missense variant.
Genome position (GRCh38, 1-based): chr15:44,600,569, T>C on the plus strand (A>G on the coding strand, the complement: SPG11 is on the minus strand). VCF-style: chr15-44600569-T-C. GRCh37 (hg19) VCF-style: chr15-44892767-T-C.
Other names: p.Glu1195Gly; c.3584A>G, p.Glu1195Gly (NM_001160227.2); short protein forms E1195G.
Identifiers: ClinVar variation 834168 (VCV000834168.8), dbSNP rs775875753, ClinGen allele CA7534898.

ClinVar aggregate classification (germline): Uncertain significance. Review status: criteria provided, multiple submitters, no conflicts (2 of 4 stars). 4 submissions from 4 submitters: Uncertain significance (4). Last evaluated 2024-08-12.

Conditions:
Inborn genetic diseases. Identifiers: MedGen C0950123, MeSH D030342.
Hereditary spastic paraplegia 11. Also called: SPASTIC PARAPLEGIA, AUTOSOMAL RECESSIVE, COMPLICATED, WITH THIN CORPUS CALLOSUM; SPASTIC PARAPLEGIA, AUTOSOMAL RECESSIVE, WITH MENTAL IMPAIRMENT AND THIN CORPUS CALLOSUM; Nakamura Osame syndrome; Autosomal recessive hereditary spastic paraplegia, mental impairment, and thin corpus callosum; Spastic paraplegia, mental retardation and thin corpus callosum; Spastic Paraplegia 11. Identifiers: Orphanet 2822, MedGen C1858479, MONDO:0011445, OMIM 604360.

Allele frequency attached by ClinVar (database versions not stated): gnomAD exomes 0.00005 and 0.00002; TOPMed 0.00005; ExAC 0.00002; gnomAD 0.00003 and 0.00004.
gnomAD v4.1: 78 of 1,614,050 alleles (0.0048%); highest among the groups gnomAD compares: Non-Finnish European, 0.0065%; no homozygotes.

Submissions (4):

Mayo Clinic Laboratories, Mayo Clinic
Classification: Uncertain significance. Last evaluated: 2024-08-12. Review status: criteria provided, single submitter. Criteria: ACMG Guidelines, 2015. Collection method: clinical testing. Allele origin: germline. Observed: 1 variant allele.
Comment: PP3, PM2

Blueprint Genetics
Classification: Uncertain significance. Last evaluated: 2024-06-06. Review status: criteria provided, single submitter. Criteria: ACMG Guidelines, 2015. Collection method: clinical testing. Allele origin: germline.

Labcorp Genetics (formerly Invitae), Labcorp
Classification: Uncertain significance for Hereditary spastic paraplegia 11. Last evaluated: 2022-07-12. Review status: criteria provided, single submitter. Criteria: Invitae Variant Classification Sherloc (09022015). Collection method: clinical testing. Allele origin: germline.
Comment: This sequence change replaces glutamic acid, which is acidic and polar, with glycine, which is neutral and non-polar, at codon 1195 of the SPG11 protein (p.Glu1195Gly). This variant is present in population databases (rs775875753, gnomAD 0.006%). This variant has not been reported in the literature in individuals affected with SPG11-related conditions. ClinVar contains an entry for this variant (Variation ID: 834168). Algorithms developed to predict the effect of missense changes on protein structure and function are either unavailable or do not agree on the potential impact of this missense change (SIFT: "Deleterious"; PolyPhen-2: "Possibly Damaging"; Align-GVGD: "Class C0"). In summary, the available evidence is currently insufficient to determine the role of this variant in disease. Therefore, it has been classified as a Variant of Uncertain Significance.

Ambry Genetics
Classification: Uncertain significance for Inborn genetic diseases. Last evaluated: 2021-11-11. Review status: criteria provided, single submitter. Criteria: Ambry Variant Classification Scheme 2023. Collection method: clinical testing. Allele origin: germline.
Comment: The p.E1195G variant (also known as c.3584A>G), located in coding exon 21 of the SPG11 gene, results from an A to G substitution at nucleotide position 3584. The glutamic acid at codon 1195 is replaced by glycine, an amino acid with similar properties. This amino acid position is conserved. In addition, this alteration is predicted to be deleterious by in silico analysis. Since supporting evidence is limited at this time, the clinical significance of this alteration remains unclear.